The following is an entry in ClinVar:

ClinVar aggregate classification (germline): Likely benign (1 of 4 stars; one submission).

Conditions:
C1QTNF5-related disorder. Also called: C1QTNF5-related condition.

gnomAD v4.1: 9 of 1,545,390 alleles (0.00058%); highest among the groups gnomAD compares: East Asian, 0.0025%; no homozygotes.

Submission:

PreventionGenetics, part of Exact Sciences
Classification: Likely benign for C1QTNF5-related condition. Last evaluated: 2025-03-28. Review status: criteria provided, single submitter. Criteria: ACMG Guidelines, 2015. Collection method: clinical testing. Allele origin: germline.
Comment: This variant is classified as likely benign based on ACMG/AMP sequence variant interpretation guidelines (Richards et al. 2015 PMID: 25741868, with internal and published modifications).

NM_001278431.2(C1QTNF5):c.15C>T (p.Leu5=)

Genes: C1QTNF5 (C1q and TNF related 5; minus strand), MFRP (membrane frizzled-related protein; minus strand). Cytogenetic location: 11q23.3.
Variant type: single nucleotide variant.
Coding change: c.15C>T on transcript NM_001278431.2 (MANE Select); coding-DNA position 15, C replaced by T.
Protein change: p.Leu5=; no amino-acid change (leucine 5 retained).
Molecular consequence: synonymous variant. On other transcripts: 3 prime UTR variant (1).
Genome position (GRCh38, 1-based): chr11:119,340,383, G>A on the plus strand (C>T on the coding strand, the complement: C1QTNF5 is on the minus strand). VCF-style: chr11-119340383-G-A. GRCh37 (hg19) VCF-style: chr11-119211093-G-A.
Other names: c.15C>T, p.Leu5= (NM_015645.5); c.*911C>T (NM_031433.4).
Identifiers: ClinVar variation 4979952 (VCV004979952.1).